The following is an entry in ClinVar:

ClinVar aggregate classification (germline): Benign. Review status: criteria provided, multiple submitters, no conflicts (2 of 4 stars). 2 submissions from 2 submitters: Benign (2). Last evaluated 2025-12-29.

Conditions:
Hypertrophic cardiomyopathy. Also called: HYPERTROPHIC MYOCARDIOPATHY. Identifiers: Orphanet 217569, MedGen C0007194, MeSH D002312, MONDO:0005045, HP:0001639.

Allele frequency attached by ClinVar (database versions not stated): ESP Exome Variant Server 0.00016; TOPMed 0.00023; gnomAD 0.00024 and 0.00048; gnomAD exomes 0.00070 and 0.00139; 1000 Genomes Project 30x 0.00094; 1000 Genomes Project 0.00120; ExAC 0.00168.
gnomAD v4.1: 1,090 of 1,605,816 alleles (0.068%); highest among the groups gnomAD compares: South Asian, 0.93%; 13 homozygotes.

Submissions (2):

Labcorp Genetics (formerly Invitae), Labcorp
Classification: Benign for Hypertrophic cardiomyopathy. Last evaluated: 2025-12-29. Review status: criteria provided, single submitter. Criteria: Invitae Variant Classification Sherloc (09022015). Collection method: clinical testing. Allele origin: germline.

Laboratory for Molecular Medicine, Mass General Brigham Personalized Medicine
Classification: Benign. Last evaluated: 2019-12-23. Review status: criteria provided, single submitter. Criteria: LMM Criteria. Collection method: clinical testing. Allele origin: germline. Observed: 2 variant alleles.
Comment: The c.1502-12C>T variant in MYOM1 is classified as benign because it has been identified in 1.0% (282/28822) of South Asian chromosomes and 3 homozygotes by gnomAD. ACMG/AMP Criteria applied: BA1.

NM_003803.4(MYOM1):c.1502-12C>T

Gene: MYOM1 (myomesin 1; minus strand). Cytogenetic location: 18p11.31.
Variant type: single nucleotide variant.
Coding change: c.1502-12C>T on transcript NM_003803.4 (MANE Select); 12 bases into the intron before coding-DNA position 1502, C replaced by T.
Molecular consequence: intron variant.
Genome position (GRCh38, 1-based): chr18:3,155,100, G>A on the plus strand (C>T on the coding strand, the complement: MYOM1 is on the minus strand). VCF-style: chr18-3155100-G-A. GRCh37 (hg19) VCF-style: chr18-3155098-G-A.
Other names: c.1502-12C>T (NM_019856.2).
Identifiers: ClinVar variation 930114 (VCV000930114.12), dbSNP rs201937304, ClinGen allele CA8874925.